The following is an entry in ClinVar:

ClinVar aggregate classification (germline): Likely benign (1 of 4 stars; one submission).

Submission:

CeGaT Center for Human Genetics Tuebingen
Classification: Likely benign. Last evaluated: 2025-03-01. Review status: criteria provided, single submitter. Criteria: CeGaT Center For Human Genetics Tuebingen Variant Classification Criteria Version 2. Collection method: clinical testing. Allele origin: germline. Affected: yes. Observed: 1 variant allele.
Comment: DAW1: PM2:Supporting, BP4, BP7

NM_178821.3(DAW1):c.372A>C (p.Gly124=)

Gene: DAW1 (dynein assembly factor with WD repeats 1; plus strand). Cytogenetic location: 2q36.3.
Variant type: single nucleotide variant.
Coding change: c.372A>C on transcript NM_178821.3 (MANE Select); coding-DNA position 372, A replaced by C.
Protein change: p.Gly124=; no amino-acid change (glycine 124 retained).
Molecular consequence: synonymous variant. On other transcripts: non-coding transcript variant (1).
Genome position (GRCh38, 1-based): chr2:227,893,849, A>C. VCF-style: chr2-227893849-A-C. GRCh37 (hg19) VCF-style: chr2-228758565-A-C.
Other names: c.327A>C, p.Gly109= (NM_001330004.2).
Identifiers: ClinVar variation 3778486 (VCV003778486.7).